The following is an entry in ClinVar:

NM_018942.3(HMX1):c.667G>T (p.Asp223Tyr)

Gene: HMX1 (H6 family homeobox 1; minus strand). Cytogenetic location: 4p16.1.
Variant type: single nucleotide variant.
Coding change: c.667G>T on transcript NM_018942.3 (MANE Select); coding-DNA position 667, G replaced by T.
Protein change: p.Asp223Tyr; replaces aspartic acid 223 with tyrosine.
Molecular consequence: missense variant. On other transcripts: intron variant (1).
Genome position (GRCh38, 1-based): chr4:8,868,073, C>A on the plus strand (G>T on the coding strand, the complement: HMX1 is on the minus strand). VCF-style: chr4-8868073-C-A. GRCh37 (hg19) VCF-style: chr4-8869799-C-A.
Other names: c.394+3148G>T (NM_001306142.2); short protein forms D223Y.
Identifiers: ClinVar variation 1018007 (VCV001018007.10), dbSNP rs1252628929, ClinGen allele CA356278076.
Genomic context (GRCh38, chr4:8,868,073, plus strand): 5'-TGAGCTGCAGGGAGGCGGCCAGGCCGGCGCGCTCGGCGCTGCTCAGGTAGCGCTTCAGGT[C>A]GAAGGTGGATTCCAGCTGGAAGACCTGGCTGCGGGAGAAGACTGTGCGCGTCTTCTTCTT-3'
Protein context (NP_061815.2, residues 213-233): SQVFQLESTF[Asp223Tyr]LKRYLSSAER

ClinVar aggregate classification (germline): Uncertain significance (1 of 4 stars; one submission).

Allele frequency attached by ClinVar (database versions not stated): TOPMed below 0.00001; gnomAD 0.00001.
gnomAD v4.1: 5 of 1,536,236 alleles (0.00033%); highest among the groups gnomAD compares: Admixed American, 0.0019%; no homozygotes.

Submission:

Labcorp Genetics (formerly Invitae), Labcorp
Classification: Uncertain significance. Last evaluated: 2025-03-17. Review status: criteria provided, single submitter. Criteria: Invitae Variant Classification Sherloc (09022015). Collection method: clinical testing. Allele origin: germline.
Comment: This sequence change replaces aspartic acid, which is acidic and polar, with tyrosine, which is neutral and polar, at codon 223 of the HMX1 protein (p.Asp223Tyr). This variant is present in population databases (no rsID available, gnomAD 0.001%). This variant has not been reported in the literature in individuals affected with HMX1-related conditions. ClinVar contains an entry for this variant (Variation ID: 1018007). Invitae Evidence Modeling of protein sequence and biophysical properties (such as structural, functional, and spatial information, amino acid conservation, physicochemical variation, residue mobility, and thermodynamic stability) has been performed for this missense variant. However, the output from this modeling did not meet the statistical confidence thresholds required to predict the impact of this variant on HMX1 protein function. In summary, the available evidence is currently insufficient to determine the role of this variant in disease. Therefore, it has been classified as a Variant of Uncertain Significance.